The following is an entry in ClinVar:

ClinVar aggregate classification (germline): Uncertain significance (1 of 4 stars; one submission).

Allele frequency attached by ClinVar (database versions not stated): TOPMed below 0.00001; ESP Exome Variant Server 0.00009.

Submission:

GeneDx
Classification: Uncertain significance. Last evaluated: 2021-09-23. Review status: criteria provided, single submitter. Criteria: GeneDx Variant Classification Process June 2021. Collection method: clinical testing. Allele origin: germline. Affected: yes.
Comment: In silico analysis supports that this missense variant has a deleterious effect on protein structure/function; Has not been previously published as pathogenic or benign to our knowledge

NM_173495.3(PTCHD1):c.1469A>G (p.Tyr490Cys)

Gene: PTCHD1 (patched domain containing 1; plus strand). Cytogenetic location: Xp22.11.
Variant type: single nucleotide variant.
Coding change: c.1469A>G on transcript NM_173495.3 (MANE Select); coding-DNA position 1469, A replaced by G.
Protein change: p.Tyr490Cys; replaces tyrosine 490 with cysteine.
Molecular consequence: missense variant.
Genome position (GRCh38, 1-based): chrX:23,392,987, A>G. VCF-style: chrX-23392987-A-G. GRCh37 (hg19) VCF-style: chrX-23411104-A-G.
Other names: short protein forms Y490C.
Identifiers: ClinVar variation 1526363 (VCV001526363.2), dbSNP rs143705767, ClinGen allele CA327634967.